The following is an entry in ClinVar:

ClinVar aggregate classification (germline): Uncertain significance. Review status: criteria provided, multiple submitters, no conflicts (2 of 4 stars). 2 submissions from 2 submitters: Uncertain significance (2). Last evaluated 2025-07-07.

Conditions:
Hereditary cancer-predisposing syndrome. Also called: Hereditary neoplastic syndrome; Tumor predisposition; Hereditary Cancer Syndrome; Neoplastic Syndromes, Hereditary. Identifiers: Orphanet 140162, MedGen C0027672, MeSH D009386, MONDO:0015356.

Submissions (2):

Labcorp Genetics (formerly Invitae), Labcorp
Classification: Uncertain significance. Last evaluated: 2025-07-07. Review status: criteria provided, single submitter. Criteria: Invitae Variant Classification Sherloc (09022015). Collection method: clinical testing. Allele origin: germline.
Comment: This sequence change replaces glutamine, which is neutral and polar, with histidine, which is basic and polar, at codon 847 of the CTNNA1 protein (p.Gln847His). This variant is not present in population databases (gnomAD no frequency). This variant has not been reported in the literature in individuals affected with CTNNA1-related conditions. ClinVar contains an entry for this variant (Variation ID: 2125293). Invitae Evidence Modeling of protein sequence and biophysical properties (such as structural, functional, and spatial information, amino acid conservation, physicochemical variation, residue mobility, and thermodynamic stability) indicates that this missense variant is not expected to disrupt CTNNA1 protein function with a negative predictive value of 80%. In summary, the available evidence is currently insufficient to determine the role of this variant in disease. Therefore, it has been classified as a Variant of Uncertain Significance.

Ambry Genetics
Classification: Uncertain significance for Hereditary cancer-predisposing syndrome. Last evaluated: 2024-09-21. Review status: criteria provided, single submitter. Criteria: Ambry Variant Classification Scheme 2023. Collection method: clinical testing. Allele origin: germline.
Comment: The p.Q847H variant (also known as c.2541G>C), located in coding exon 17 of the CTNNA1 gene, results from a G to C substitution at nucleotide position 2541. The glutamine at codon 847 is replaced by histidine, an amino acid with highly similar properties. This amino acid position is conserved. In addition, this alteration is predicted to be tolerated by in silico analysis. Based on the available evidence, the clinical significance of this variant remains unclear.

NM_001903.5(CTNNA1):c.2541G>C (p.Gln847His)

Gene: CTNNA1 (catenin alpha 1; plus strand). Cytogenetic location: 5q31.2.
Variant type: single nucleotide variant.
Coding change: c.2541G>C on transcript NM_001903.5 (MANE Select); coding-DNA position 2541, G replaced by C.
Protein change: p.Gln847His; replaces glutamine 847 with histidine.
Molecular consequence: missense variant. On other transcripts: 3 prime UTR variant (5).
Genome position (GRCh38, 1-based): chr5:138,933,909, G>C. VCF-style: chr5-138933909-G-C. GRCh37 (hg19) VCF-style: chr5-138269598-G-C.
Other names: c.*86G>C (NM_001290307.3, NM_001324002.1, NM_001324003.1 and 2 more transcripts); c.2232G>C, p.Gln744His (NM_001290309.3); c.2172G>C, p.Gln724His (NM_001290310.3); c.1431G>C, p.Gln477His (NM_001290312.1, NM_001323987.1, NM_001323988.1 and 12 more transcripts); c.2541G>C, p.Gln847His (NM_001323982.2, NM_001323983.1, NM_001323984.2); c.2514G>C, p.Gln838His (NM_001323985.2); c.2448G>C, p.Gln816His (NM_001323986.2); c.1296G>C, p.Gln432His (NM_001324001.1); and 4 more; short protein forms Q446H, Q477H, Q838H, Q847H, Q432H, Q816H, Q364H, Q396H.
Identifiers: ClinVar variation 2125293 (VCV002125293.5), dbSNP rs1561784473, ClinGen allele CA361135413.